The following is an entry in ClinVar:

NM_130398.4(EXO1):c.2109+9A>C

Gene: EXO1 (exonuclease 1; plus strand). Cytogenetic location: 1q43.
Variant type: single nucleotide variant.
Coding change: c.2109+9A>C on transcript NM_130398.4 (MANE Select); 9 bases into the intron after coding-DNA position 2109, A replaced by C.
Molecular consequence: intron variant.
Genome position (GRCh38, 1-based): chr1:241,879,352, A>C. VCF-style: chr1-241879352-A-C. GRCh37 (hg19) VCF-style: chr1-242042654-A-C.
Other names: c.2106+9A>C (NM_001319224.2); c.2109+9A>C (NM_006027.4, NM_003686.4).
Identifiers: ClinVar variation 3058223 (VCV003058223.3), dbSNP rs746113983, ClinGen allele CA1481516.

ClinVar aggregate classification (germline): Likely benign. Review status: criteria provided, single submitter (1 of 4 stars). 2 submissions from 2 submitters: Likely benign (1). 1 of the submissions does not count toward it. Last evaluated 2023-11-17.

Conditions:
EXO1-related disorder. Also called: EXO1-related condition.

Allele frequency attached by ClinVar (database versions not stated): ExAC 0.00004; gnomAD exomes 0.00004; TOPMed 0.00005; gnomAD 0.00006.
gnomAD v4.1: 58 of 1,510,362 alleles (0.0038%); highest among the groups gnomAD compares: Non-Finnish European, 0.0053%; no homozygotes.

Submissions (2):

Blueprint Genetics
Classification: Likely benign. Last evaluated: 2023-11-17. Review status: criteria provided, single submitter. Criteria: ACMG Guidelines, 2015. Collection method: clinical testing. Allele origin: germline.

PreventionGenetics, part of Exact Sciences
Classification: Likely benign for EXO1-related condition. Last evaluated: 2019-03-04. Review status: no assertion criteria provided. Collection method: clinical testing. Allele origin: germline. Not counted in ClinVar's aggregate classification.
Comment: This variant is classified as likely benign based on ACMG/AMP sequence variant interpretation guidelines (Richards et al. 2015 PMID: 25741868, with internal and published modifications).